The following is an entry in ClinVar:

ClinVar aggregate classification (germline): Likely benign. Review status: criteria provided, multiple submitters, no conflicts (2 of 4 stars). 3 submissions from 3 submitters: Likely benign (3). Last evaluated 2025-09-28.

Allele frequency attached by ClinVar (database versions not stated): gnomAD exomes 0.00004 and 0.00006; ExAC 0.00010; gnomAD 0.00020 and 0.00021; TOPMed 0.00028; ESP Exome Variant Server 0.00031.
gnomAD v4.1: 83 of 1,614,048 alleles (0.0051%); highest among the groups gnomAD compares: African/African-American, 0.052%; no homozygotes.

Submissions (3):

Labcorp Genetics (formerly Invitae), Labcorp
Classification: Likely benign. Last evaluated: 2025-09-28. Review status: criteria provided, single submitter. Criteria: Invitae Variant Classification Sherloc (09022015). Collection method: clinical testing. Allele origin: germline.

Blueprint Genetics
Classification: Likely benign. Last evaluated: 2023-12-07. Review status: criteria provided, single submitter. Criteria: ACMG Guidelines, 2015. Collection method: clinical testing. Allele origin: germline.

CeGaT Center for Human Genetics Tuebingen
Classification: Likely benign. Last evaluated: 2022-10-01. Review status: criteria provided, single submitter. Criteria: CeGaT Center For Human Genetics Tuebingen Variant Classification Criteria Version 2. Collection method: clinical testing. Allele origin: germline. Affected: yes. Observed: 1 variant allele.
Comment: DNAH9: BP4, BP7

NM_001372.4(DNAH9):c.10095C>T (p.Ala3365=)

Gene: DNAH9 (dynein axonemal heavy chain 9; plus strand). Cytogenetic location: 17p12.
Variant type: single nucleotide variant.
Coding change: c.10095C>T on transcript NM_001372.4 (MANE Select); coding-DNA position 10095, C replaced by T.
Protein change: p.Ala3365=; no amino-acid change (alanine 3365 retained).
Molecular consequence: synonymous variant.
Genome position (GRCh38, 1-based): chr17:11,871,639, C>T. VCF-style: chr17-11871639-C-T. GRCh37 (hg19) VCF-style: chr17-11774956-C-T.
Identifiers: ClinVar variation 1573203 (VCV001573203.33), dbSNP rs147795678, ClinGen allele CA8397415.